The following is an entry in ClinVar:

NM_014334.4(FRRS1L):c.-38C>T

Gene: FRRS1L (ferric chelate reductase 1 like; minus strand). Cytogenetic location: 9q31.3.
Variant type: single nucleotide variant.
Coding change: c.-38C>T on transcript NM_014334.4 (MANE Select); 38 bases upstream of the start codon, C replaced by T.
Molecular consequence: 5 prime UTR variant.
Genome position (GRCh38, 1-based): chr9:109,167,176, G>A on the plus strand (C>T on the coding strand, the complement: FRRS1L is on the minus strand). VCF-style: chr9-109167176-G-A. GRCh37 (hg19) VCF-style: chr9-111929456-G-A.
Identifiers: ClinVar variation 542870 (VCV000542870.9), dbSNP rs1554736531, ClinGen allele CA374430843.

ClinVar aggregate classification (germline): Uncertain significance (1 of 4 stars; one submission).

Conditions:
Developmental and epileptic encephalopathy, 37 (DEE37). Also called: Epileptic encephalopathy, early infantile, 37. Identifiers: MedGen C4310770, MONDO:0014859, OMIM 616981.

Allele frequency attached by ClinVar (database versions not stated): gnomAD exomes below 0.00001.
gnomAD v4.1: 2 of 1,151,316 alleles (0.00017%); highest among the groups gnomAD compares: Non-Finnish European, 0.00021%; no homozygotes.

Submission:

Labcorp Genetics (formerly Invitae), Labcorp
Classification: Uncertain significance for Developmental and epileptic encephalopathy, 37. Last evaluated: 2022-08-13. Review status: criteria provided, single submitter. Criteria: Invitae Variant Classification Sherloc (09022015). Collection method: clinical testing. Allele origin: germline.
Comment: In summary, the available evidence is currently insufficient to determine the role of this variant in disease. Therefore, it has been classified as a Variant of Uncertain Significance. Algorithms developed to predict the effect of missense changes on protein structure and function are either unavailable or do not agree on the potential impact of this missense change (SIFT: "Tolerated"; PolyPhen-2: "Not Available"; Align-GVGD: "Class C0"). ClinVar contains an entry for this variant (Variation ID: 542870). This variant has not been reported in the literature in individuals affected with FRRS1L-related conditions. The frequency data for this variant in the population databases is considered unreliable, as metrics indicate insufficient coverage at this position in the gnomAD database. This sequence change replaces alanine, which is neutral and non-polar, with valine, which is neutral and non-polar, at codon 39 of the FRRS1L protein (p.Ala39Val).